The following is an entry in ClinVar:

NM_006118.4(HAX1):c.86G>A (p.Arg29Gln)

Gene: HAX1 (HCLS1 associated protein X-1; plus strand). Cytogenetic location: 1q21.3.
Variant type: single nucleotide variant.
Coding change: c.86G>A on transcript NM_006118.4 (MANE Select); coding-DNA position 86, G replaced by A.
Protein change: p.Arg29Gln; replaces arginine 29 with glutamine.
Molecular consequence: missense variant. On other transcripts: intron variant (1).
Genome position (GRCh38, 1-based): chr1:154,273,368, G>A. VCF-style: chr1-154273368-G-A. GRCh37 (hg19) VCF-style: chr1-154245844-G-A.
Other names: c.54-112G>A (NM_001018837.2); short protein forms R29Q.
Identifiers: ClinVar variation 4269010 (VCV004269010.1).

ClinVar aggregate classification (germline): Uncertain significance (1 of 4 stars; one submission).

Conditions:
Inborn genetic diseases. Identifiers: MedGen C0950123, MeSH D030342.

Submission:

Ambry Genetics
Classification: Uncertain significance for Inborn genetic diseases. Last evaluated: 2025-06-16. Review status: criteria provided, single submitter. Criteria: Ambry Variant Classification Scheme 2023. Collection method: clinical testing. Allele origin: germline.
Comment: The p.R29Q variant (also known as c.86G>A), located in coding exon 2 of the HAX1 gene, results from a G to A substitution at nucleotide position 86. The arginine at codon 29 is replaced by glutamine, an amino acid with highly similar properties. This amino acid position is conserved. In addition, this alteration is predicted to be tolerated by in silico analysis. Based on the available evidence, the clinical significance of this variant remains unclear.